The following is an entry in ClinVar:

ClinVar aggregate classification (germline): Uncertain significance (1 of 4 stars; one submission).

Allele frequency attached by ClinVar (database versions not stated): ExAC 0.00002; gnomAD exomes 0.00002.
gnomAD v4.1: 22 of 1,612,496 alleles (0.0014%); highest among the groups gnomAD compares: East Asian, 0.013%; no homozygotes.

Submission:

Labcorp Genetics (formerly Invitae), Labcorp
Classification: Uncertain significance. Last evaluated: 2022-09-29. Review status: criteria provided, single submitter. Criteria: Invitae Variant Classification Sherloc (09022015). Collection method: clinical testing. Allele origin: germline.
Comment: This sequence change replaces threonine, which is neutral and polar, with methionine, which is neutral and non-polar, at codon 279 of the CNOT3 protein (p.Thr279Met). In summary, the available evidence is currently insufficient to determine the role of this variant in disease. Therefore, it has been classified as a Variant of Uncertain Significance. Algorithms developed to predict the effect of missense changes on protein structure and function are either unavailable or do not agree on the potential impact of this missense change (SIFT: "Deleterious"; PolyPhen-2: "Probably Damaging"; Align-GVGD: "Class C0"). This variant has not been reported in the literature in individuals affected with CNOT3-related conditions. The frequency data for this variant in the population databases is considered unreliable, as metrics indicate poor data quality at this position in the gnomAD database.

NM_014516.4(CNOT3):c.836C>T (p.Thr279Met)

Gene: CNOT3 (CCR4-NOT transcription complex subunit 3; plus strand). Cytogenetic location: 19q13.42.
Variant type: single nucleotide variant.
Coding change: c.836C>T on transcript NM_014516.4 (MANE Select); coding-DNA position 836, C replaced by T.
Protein change: p.Thr279Met; replaces threonine 279 with methionine.
Molecular consequence: missense variant.
Genome position (GRCh38, 1-based): chr19:54,146,042, C>T. VCF-style: chr19-54146042-C-T. GRCh37 (hg19) VCF-style: chr19-54649778-C-T.
Other names: short protein forms T279M.
Identifiers: ClinVar variation 2092639 (VCV002092639.4), dbSNP rs768826017, ClinGen allele CA309339217.